The following is an entry in ClinVar:

NM_004393.6(DAG1):c.2155A>G (p.Ile719Val)

Gene: DAG1 (dystroglycan 1; plus strand). Cytogenetic location: 3p21.31.
Variant type: single nucleotide variant.
Coding change: c.2155A>G on transcript NM_004393.6 (MANE Select); coding-DNA position 2155, A replaced by G.
Protein change: p.Ile719Val; replaces isoleucine 719 with valine.
Molecular consequence: missense variant.
Genome position (GRCh38, 1-based): chr3:49,532,666, A>G. VCF-style: chr3-49532666-A-G. GRCh37 (hg19) VCF-style: chr3-49570099-A-G.
Other names: c.2155A>G, p.Ile719Val (NM_001165928.4, NM_001177634.3, NM_001177635.3 and 9 more transcripts); short protein forms I719V.
Identifiers: ClinVar variation 2153265 (VCV002153265.1), dbSNP rs2472653531, ClinGen allele CA352796925.

ClinVar aggregate classification (germline): Uncertain significance (1 of 4 stars; one submission).

Conditions:
Autosomal recessive limb-girdle muscular dystrophy type 2P. Also called: MUSCULAR DYSTROPHY-DYSTROGLYCANOPATHY, LIMB-GIRDLE, DAG1-RELATED; Limb-Girdle Muscular Dystrophy Type 9C; MUSCULAR DYSTROPHY, LIMB-GIRDLE, TYPE 2P. Identifiers: Orphanet 280333, MedGen C4511963, MONDO:0013440, OMIM 613818.
Muscular dystrophy-dystroglycanopathy (congenital with brain and eye anomalies), type A9. Also called: WALKER-WARBURG SYNDROME OR MUSCLE-EYE BRAIN DISEASE, DAG1-RELATED; Muscular dystrophy-dystroglycanopathy (congenital with brain and eye anomalies), type a, 9. Identifiers: Orphanet 370997, Orphanet 899, MedGen C4225291, MONDO:0014683, OMIM 616538.

Submission:

Labcorp Genetics (formerly Invitae), Labcorp
Classification: Uncertain significance for Autosomal recessive limb-girdle muscular dystrophy type 2P; Muscular dystrophy-dystroglycanopathy (congenital with brain and eye anomalies), type A9. Last evaluated: 2022-05-29. Review status: criteria provided, single submitter. Criteria: Invitae Variant Classification Sherloc (09022015). Collection method: clinical testing. Allele origin: germline.
Comment: This sequence change replaces isoleucine, which is neutral and non-polar, with valine, which is neutral and non-polar, at codon 719 of the DAG1 protein (p.Ile719Val). This variant is not present in population databases (gnomAD no frequency). This variant has not been reported in the literature in individuals affected with DAG1-related conditions. Algorithms developed to predict the effect of missense changes on protein structure and function output the following: SIFT: "Tolerated"; PolyPhen-2: "Benign"; Align-GVGD: "Class C0". The valine amino acid residue is found in multiple mammalian species, which suggests that this missense change does not adversely affect protein function. In summary, the available evidence is currently insufficient to determine the role of this variant in disease. Therefore, it has been classified as a Variant of Uncertain Significance.